The following is an entry in ClinVar:

NM_000256.3(MYBPC3):c.3191-2A>C

Gene: MYBPC3 (myosin binding protein C3; minus strand). Cytogenetic location: 11p11.2.
Variant type: single nucleotide variant.
Coding change: c.3191-2A>C on transcript NM_000256.3 (MANE Select); the canonical splice acceptor site of the intron before coding-DNA position 3191, A replaced by C.
Molecular consequence: splice acceptor variant.
Genome position (GRCh38, 1-based): chr11:47,333,335, T>G on the plus strand (A>C on the coding strand, the complement: MYBPC3 is on the minus strand). VCF-style: chr11-47333335-T-G. GRCh37 (hg19) VCF-style: chr11-47354886-T-G.
Identifiers: ClinVar variation 3340828 (VCV003340828.1).

ClinVar aggregate classification (germline): Pathogenic (1 of 4 stars; one submission).

Submission:

GeneDx
Classification: Pathogenic. Last evaluated: 2023-10-25. Review status: criteria provided, single submitter. Criteria: GeneDx Variant Classification Process June 2021. Collection method: clinical testing. Allele origin: germline. Affected: yes.
Comment: Canonical splice site variant predicted to result in a null allele in a gene for which loss of function is a known mechanism of disease; Not observed at significant frequency in large population cohorts (gnomAD); In silico analysis supports a deleterious effect on splicing; This variant is associated with the following publications: (PMID: 29398688)